The following is an entry in ClinVar:

NM_000969.5(RPL5):c.258T>A (p.Tyr86Ter)

Genes: DIPK1A (divergent protein kinase domain 1A; minus strand), RPL5 (ribosomal protein L5; plus strand). Cytogenetic location: 1p22.1.
Variant type: single nucleotide variant.
Coding change: c.258T>A on transcript NM_000969.5 (MANE Select); coding-DNA position 258, T replaced by A.
Protein change: p.Tyr86Ter; replaces tyrosine 86 with a stop codon.
Molecular consequence: nonsense. On other transcripts: non-coding transcript variant (1), intron variant (1).
Genome position (GRCh38, 1-based): chr1:92,834,847, T>A. VCF-style: chr1-92834847-T-A. GRCh37 (hg19) VCF-style: chr1-93300404-T-A.
Other names: NC_000001.10:g.93300404T>A; c.258T>A (NM_000969.3); c.475-1813A>T (NM_001252273.2); short protein forms Y86*.
Identifiers: ClinVar variation 4486054 (VCV004486054.2).

ClinVar aggregate classification (germline): Likely pathogenic (1 of 4 stars; one submission).

Conditions:
RPL5-related disorder. Also called: RPL5-related condition.

Submissions (2):

PreventionGenetics, part of Exact Sciences
Classification: Likely pathogenic for RPL5-related condition. Last evaluated: 2026-07-29. Review status: criteria provided, single submitter. Criteria: ACMG Guidelines, 2015. Collection method: clinical testing. Allele origin: germline.
Comment: The RPL5 c.258T>A variant is predicted to result in premature protein termination (p.Tyr86*). To our knowledge, this variant has not been reported in the literature or in a large population database (gnomAD), indicating this variant is rare. Nonsense variants in RPL5 are expected to be pathogenic. This variant is interpreted as likely pathogenic.

Dr. Peter K. Rogan Lab, Western University
No classification provided (evidence only). Condition: Thyroid cancer, nonmedullary, 1. Review status: no classification provided. Collection method: in vitro. Allele origin: not applicable. Functional consequence: retained intron. Not counted in ClinVar's aggregate classification.